The following is an entry in ClinVar:

ClinVar aggregate classification (germline): Uncertain significance. Review status: criteria provided, multiple submitters, no conflicts (2 of 4 stars). 5 submissions from 5 submitters: Uncertain significance (3). 2 of the submissions do not count toward it. Last evaluated 2025-07-28.

Conditions:
Cystic fibrosis (CF). Also called: MUCOVISCIDOSIS. Identifiers: Orphanet 586, MedGen C0010674, MONDO:0009061, OMIM 219700. Disease mechanism: loss of function.
CFTR-related disorder (CFTR-RD). Also called: CFTR-related disorders; CFTR-related condition. Identifiers: MedGen C5924204, MONDO:7770004.

Allele frequency attached by ClinVar (database versions not stated): TOPMed below 0.00001; ExAC 0.00002; gnomAD exomes below 0.00001 and 0.00001; gnomAD 0.00001.
gnomAD v4.1: 6 of 1,578,918 alleles (0.00038%); highest among the groups gnomAD compares: Admixed American, 0.01%; no homozygotes.

Submissions (5):

Ambry Genetics
Classification: Uncertain significance for Cystic fibrosis. Last evaluated: 2025-07-28. Review status: criteria provided, single submitter. Criteria: Ambry Variant Classification Scheme 2023. Collection method: clinical testing. Allele origin: germline.
Comment: The p.I86V variant (also known as c.256A>G), located in coding exon 3 of the CFTR gene, results from an A to G substitution at nucleotide position 256. The isoleucine at codon 86 is replaced by valine, an amino acid with highly similar properties. This amino acid position is well conserved in available vertebrate species. In addition, the in silico prediction for this alteration is inconclusive. Since supporting evidence is limited at this time, the clinical significance of this alteration remains unclear.

Women's Health and Genetics/Laboratory Corporation of America, LabCorp
Classification: Uncertain significance. Last evaluated: 2025-03-22. Review status: criteria provided, single submitter. Criteria: LabCorp Variant Classification Summary - May 2015. Collection method: clinical testing. Allele origin: germline.

Labcorp Genetics (formerly Invitae), Labcorp
Classification: Uncertain significance for Cystic fibrosis. Last evaluated: 2021-08-31. Review status: criteria provided, single submitter. Criteria: Invitae Variant Classification Sherloc (09022015). Collection method: clinical testing. Allele origin: germline.
Comment: This sequence change replaces isoleucine with valine at codon 86 of the CFTR protein (p.Ile86Val). The isoleucine residue is moderately conserved and there is a small physicochemical difference between isoleucine and valine. This variant is present in population databases (rs749432776, ExAC 0.02%). This variant has not been reported in the literature in individuals affected with CFTR-related conditions. Algorithms developed to predict the effect of missense changes on protein structure and function (SIFT, PolyPhen-2, Align-GVGD) all suggest that this variant is likely to be tolerated. In summary, the available evidence is currently insufficient to determine the role of this variant in disease. Therefore, it has been classified as a Variant of Uncertain Significance.

PreventionGenetics, part of Exact Sciences
Classification: Uncertain significance for CFTR-related condition. Last evaluated: 2024-03-06. Review status: no assertion criteria provided. Collection method: clinical testing. Allele origin: germline. Not counted in ClinVar's aggregate classification.
Comment: The CFTR c.256A>G variant is predicted to result in the amino acid substitution p.Ile86Val. To our knowledge, this variant has not been reported in the literature. This variant is reported in 0.0087% of alleles in individuals of Latino descent in gnomAD. At this time, the clinical significance of this variant is uncertain due to the absence of conclusive functional and genetic evidence.

Natera, Inc.
Classification: Uncertain significance for CFTR-related disorders. Last evaluated: 2018-05-24. Review status: no assertion criteria provided. Collection method: clinical testing. Allele origin: germline. Not counted in ClinVar's aggregate classification.

NM_000492.4(CFTR):c.256A>G (p.Ile86Val)

Gene: CFTR (CF transmembrane conductance regulator; plus strand). Cytogenetic location: 7q31.2.
Variant type: single nucleotide variant.
Coding change: c.256A>G on transcript NM_000492.4 (MANE Select); coding-DNA position 256, A replaced by G.
Protein change: p.Ile86Val; replaces isoleucine 86 with valine.
Molecular consequence: missense variant.
Genome position (GRCh38, 1-based): chr7:117,509,125, A>G. VCF-style: chr7-117509125-A-G. GRCh37 (hg19) VCF-style: chr7-117149179-A-G.
Other names: short protein forms I86V.
Identifiers: ClinVar variation 581675 (VCV000581675.12), dbSNP rs749432776, ClinGen allele CA4450675.